The following is an entry in ClinVar:

NM_001128840.3(CACNA1D):c.5688G>A (p.Ser1896=)

Gene: CACNA1D (calcium voltage-gated channel subunit alpha1 D; plus strand). Cytogenetic location: 3p21.1.
Variant type: single nucleotide variant.
Coding change: c.5688G>A on transcript NM_001128840.3 (MANE Select); coding-DNA position 5688, G replaced by A.
Protein change: p.Ser1896=; no amino-acid change (serine 1896 retained).
Molecular consequence: synonymous variant.
Genome position (GRCh38, 1-based): chr3:53,805,085, G>A. VCF-style: chr3-53805085-G-A. GRCh37 (hg19) VCF-style: chr3-53839112-G-A.
Other names: c.5748G>A (NM_000720.3); c.5748G>A, p.Ser1916= (NM_000720.4); c.5616G>A, p.Ser1872= (NM_001128839.3).
Identifiers: ClinVar variation 1957580 (VCV001957580.6), dbSNP rs538758473, ClinGen allele CA2455221.

ClinVar aggregate classification (germline): Likely benign. Review status: criteria provided, multiple submitters, no conflicts (2 of 4 stars). 2 submissions from 2 submitters: Likely benign (2). Last evaluated 2026-06-28.

Conditions:
CACNA1D-related disorder.

Allele frequency attached by ClinVar (database versions not stated): ExAC 0.00002; gnomAD exomes 0.00002; TOPMed 0.00002.
gnomAD v4.1: 38 of 1,613,912 alleles (0.0024%); highest among the groups gnomAD compares: Non-Finnish European, 0.0031%; no homozygotes.

Submissions (2):

PreventionGenetics, part of Exact Sciences
Classification: Likely benign for CACNA1D-related condition. Last evaluated: 2026-06-28. Review status: criteria provided, single submitter. Criteria: ACMG Guidelines, 2015. Collection method: clinical testing. Allele origin: germline.
Comment: This variant is classified as likely benign based on ACMG/AMP sequence variant interpretation guidelines (Richards et al. 2015 PMID: 25741868, with internal and published modifications).

Labcorp Genetics (formerly Invitae), Labcorp
Classification: Likely benign. Last evaluated: 2022-06-25. Review status: criteria provided, single submitter. Criteria: Invitae Variant Classification Sherloc (09022015). Collection method: clinical testing. Allele origin: germline.